The following is an entry in ClinVar:

ClinVar aggregate classification (germline): Likely benign. Review status: criteria provided, multiple submitters, no conflicts (2 of 4 stars). 3 submissions from 3 submitters: Likely benign (3). Last evaluated 2026-01-01.

Conditions:
GRIN2D-related disorder. Also called: GRIN2D-related condition.

Allele frequency attached by ClinVar (database versions not stated): gnomAD exomes below 0.00001; TOPMed below 0.00001.
gnomAD v4.1: 1 of 990,294 alleles (0.0001%); highest among the groups gnomAD compares: Non-Finnish European, 0.00012%; no homozygotes.

Submissions (3):

CeGaT Center for Human Genetics Tuebingen
Classification: Likely benign. Last evaluated: 2026-01-01. Review status: criteria provided, single submitter. Criteria: CeGaT Center For Human Genetics Tuebingen Variant Classification Criteria Version 2. Collection method: clinical testing. Allele origin: germline. Affected: yes. Observed: 4 variant alleles.
Comment: GRIN2D: BP4, BP7

Labcorp Genetics (formerly Invitae), Labcorp
Classification: Likely benign. Last evaluated: 2025-11-17. Review status: criteria provided, single submitter. Criteria: Invitae Variant Classification Sherloc (09022015). Collection method: clinical testing. Allele origin: germline.

PreventionGenetics, part of Exact Sciences
Classification: Likely benign for GRIN2D-related condition. Last evaluated: 2024-11-25. Review status: criteria provided, single submitter. Criteria: ACMG Guidelines, 2015. Collection method: clinical testing. Allele origin: germline.
Comment: This variant is classified as likely benign based on ACMG/AMP sequence variant interpretation guidelines (Richards et al. 2015 PMID: 25741868, with internal and published modifications).

NM_000836.4(GRIN2D):c.3231C>G (p.Gly1077=)

Gene: GRIN2D (glutamate ionotropic receptor NMDA type subunit 2D; plus strand). Cytogenetic location: 19q13.33.
Variant type: single nucleotide variant.
Coding change: c.3231C>G on transcript NM_000836.4 (MANE Select); coding-DNA position 3231, C replaced by G.
Protein change: p.Gly1077=; no amino-acid change (glycine 1077 retained).
Molecular consequence: synonymous variant.
Genome position (GRCh38, 1-based): chr19:48,443,157, C>G. VCF-style: chr19-48443157-C-G. GRCh37 (hg19) VCF-style: chr19-48946414-C-G.
Other names: c.3231C>G (NM_000836.2).
Identifiers: ClinVar variation 2980800 (VCV002980800.12), dbSNP rs1569075153, ClinGen allele CA508265193.